The following is an entry in ClinVar:

ClinVar aggregate classification (germline): Benign. Review status: criteria provided, multiple submitters, no conflicts (2 of 4 stars). 2 submissions from 2 submitters: Benign (2). Last evaluated 2018-06-14.

Allele frequency attached by ClinVar (database versions not stated): 1000 Genomes Project 0.11338; 1000 Genomes Project 30x 0.11675; TOPMed 0.21143; gnomAD 0.22003.
gnomAD v4.1: 181,775 of 683,641 alleles (27%); highest among the groups gnomAD compares: Middle Eastern, 42%; 20,365 homozygotes.

Submissions (2):

GeneDx
Classification: Benign. Last evaluated: 2018-06-14. Review status: criteria provided, single submitter. Criteria: GeneDx Variant Classification (06012015). Collection method: clinical testing. Allele origin: germline. Affected: yes.
Comment: This variant is considered likely benign or benign based on one or more of the following criteria: it is a conservative change, it occurs at a poorly conserved position in the protein, it is predicted to be benign by multiple in silico algorithms, and/or has population frequency not consistent with disease.

Breakthrough Genomics
Classification: Benign. Review status: criteria provided, single submitter. Criteria: ACMG Guidelines, 2015. Collection method: not provided. Allele origin: germline. Inheritance: X-linked inheritance. Affected: yes.

NM_005120.3(MED12):c.2422+120T>G

Gene: MED12 (mediator complex subunit 12; plus strand). Cytogenetic location: Xq13.1.
Variant type: single nucleotide variant.
Coding change: c.2422+120T>G on transcript NM_005120.3 (MANE Select); 120 bases into the intron after coding-DNA position 2422, T replaced by G.
Molecular consequence: intron variant.
Genome position (GRCh38, 1-based): chrX:71,125,833, T>G. VCF-style: chrX-71125833-T-G. GRCh37 (hg19) VCF-style: chrX-70345683-T-G.
Identifiers: ClinVar variation 674531 (VCV000674531.2), dbSNP rs73214869, ClinGen allele CA330979284.
Genomic context (GRCh38, chrX:71,125,833, plus strand): 5'-GCACCTCCCTGTACATATTCCTTTAAGGTCCACATAGTCTGTGGTCCTCTAAACCTTTGC[T>G]TCACTGTCCCCTTCCCTTCATTCCTCCCCCATCCCTTCCTTGACCCTCCCTTCCCTGTTT-3'